The following is an entry in ClinVar:

ClinVar aggregate classification (germline): Uncertain significance (1 of 4 stars; one submission).

Conditions:
Congenital muscular dystrophy due to integrin alpha-7 deficiency. Also called: Congenital muscular dystrophy with integrin alpha-7 deficiency; Muscular dystrophy, congenital, due to ITGA7 deficiency; MYOPATHY, CONGENITAL, DUE TO INTEGRIN ALPHA-7 DEFICIENCY. Identifiers: Orphanet 34520, MedGen C2750786, MONDO:0013177, OMIM 613204.

Allele frequency attached by ClinVar (database versions not stated): gnomAD exomes below 0.00001; ExAC 0.00001; gnomAD 0.00002; TOPMed 0.00002.
gnomAD v4.1: 10 of 1,613,940 alleles (0.00062%); highest among the groups gnomAD compares: African/African-American, 0.0027%; no homozygotes.

Submission:

Labcorp Genetics (formerly Invitae), Labcorp
Classification: Uncertain significance for Congenital muscular dystrophy due to integrin alpha-7 deficiency. Last evaluated: 2022-05-10. Review status: criteria provided, single submitter. Criteria: Invitae Variant Classification Sherloc (09022015). Collection method: clinical testing. Allele origin: germline.
Comment: Algorithms developed to predict the effect of missense changes on protein structure and function are either unavailable or do not agree on the potential impact of this missense change (SIFT: "Tolerated"; PolyPhen-2: "Probably Damaging"; Align-GVGD: "Class C0"). This sequence change replaces glutamic acid, which is acidic and polar, with aspartic acid, which is acidic and polar, at codon 350 of the ITGA7 protein (p.Glu350Asp). This variant is present in population databases (rs759656475, gnomAD 0.007%). This variant has not been reported in the literature in individuals affected with ITGA7-related conditions. In summary, the available evidence is currently insufficient to determine the role of this variant in disease. Therefore, it has been classified as a Variant of Uncertain Significance.

NM_002206.3(ITGA7):c.1050G>T (p.Glu350Asp)

Gene: ITGA7 (integrin subunit alpha 7; minus strand). Cytogenetic location: 12q13.2.
Variant type: single nucleotide variant.
Coding change: c.1050G>T on transcript NM_002206.3 (MANE Select); coding-DNA position 1050, G replaced by T.
Protein change: p.Glu350Asp; replaces glutamic acid 350 with aspartic acid.
Molecular consequence: missense variant. On other transcripts: 5 prime UTR variant (1).
Genome position (GRCh38, 1-based): chr12:55,698,525, C>A on the plus strand (G>T on the coding strand, the complement: ITGA7 is on the minus strand). VCF-style: chr12-55698525-C-A. GRCh37 (hg19) VCF-style: chr12-56092309-C-A.
Other names: c.1062G>T, p.Glu354Asp (NM_001144996.2, NM_001414029.1, NM_001414030.1); c.771G>T, p.Glu257Asp (NM_001144997.2); c.723G>T, p.Glu241Asp (NM_001367993.1); c.-243G>T (NM_001367994.1); c.1050G>T, p.Glu350Asp (NM_001374465.1, NM_001414031.1, NM_001414034.1); c.1182G>T, p.Glu394Asp (NM_001410977.1); c.930G>T, p.Glu310Asp (NM_001414032.1); c.867G>T, p.Glu289Asp (NM_001414033.1); and 1 more; short protein forms E237D, E289D, E394D, E241D, E257D, E310D, E350D, E354D.
Identifiers: ClinVar variation 2145217 (VCV002145217.2), dbSNP rs759656475, ClinGen allele CA6616074.